The following is an entry in ClinVar:

NM_032043.3(BRIP1):c.3709T>A (p.Ser1237Thr)

Gene: BRIP1 (BRCA1 interacting DNA helicase 1; minus strand). Cytogenetic location: 17q23.2.
Variant type: single nucleotide variant.
Coding change: c.3709T>A on transcript NM_032043.3 (MANE Select); coding-DNA position 3709, T replaced by A.
Protein change: p.Ser1237Thr; replaces serine 1237 with threonine.
Molecular consequence: missense variant.
Genome position (GRCh38, 1-based): chr17:61,683,337, A>T on the plus strand (T>A on the coding strand, the complement: BRIP1 is on the minus strand). VCF-style: chr17-61683337-A-T. GRCh37 (hg19) VCF-style: chr17-59760698-A-T.
Other names: short protein forms S1237T.
Identifiers: ClinVar variation 3228133 (VCV003228133.2), dbSNP rs2144066858, ClinGen allele CA400477775.
Genomic context (GRCh38, chr17:61,683,337, plus strand): 5'-GCTTGAGAGTTAAGTATTATTACTTAAAACCAGGAAACATGCCTTTATTTTTGGAAGGAG[A>T]TGGTTTAAAGTTCTTTATTTCTATTTCATGAGTTTTTCCCAGTTCCAGTTCATTTATCCA-3'
Protein context (NP_114432.2, residues 1227-1247): HEIEIKNFKP[Ser1237Thr]PSKNKGMFPG

ClinVar aggregate classification (germline): Uncertain significance. Review status: criteria provided, multiple submitters, no conflicts (2 of 4 stars). 2 submissions from 2 submitters: Uncertain significance (2). Last evaluated 2025-12-08.

Conditions:
Hereditary cancer-predisposing syndrome. Also called: Neoplastic Syndromes, Hereditary; Tumor predisposition; Hereditary neoplastic syndrome; Hereditary Cancer Syndrome. Identifiers: Orphanet 140162, MedGen C0027672, MeSH D009386, MONDO:0015356.

Submissions (2):

Color Diagnostics, LLC DBA Color Health
Classification: Uncertain significance for Hereditary cancer-predisposing syndrome. Last evaluated: 2025-12-08. Review status: criteria provided, single submitter. Criteria: ACMG Guidelines, 2015. Collection method: clinical testing. Allele origin: germline.
Comment: This missense variant replaces serine with threonine at codon 1237 of the BRIP1 protein. Computational prediction suggests that this variant may not impact protein structure and function. To our knowledge, functional studies have not been reported for this variant. This variant has not been reported in individuals affected with BRIP1-related disorders in the literature. This variant has not been identified in the general population by the Genome Aggregation Database (gnomAD). The available evidence is insufficient to determine the role of this variant in disease conclusively. Therefore, this variant is classified as a Variant of Uncertain Significance.

Ambry Genetics
Classification: Uncertain significance for Hereditary cancer-predisposing syndrome. Last evaluated: 2023-11-25. Review status: criteria provided, single submitter. Criteria: Ambry Variant Classification Scheme 2023. Collection method: clinical testing. Allele origin: germline.
Comment: The p.S1237T variant (also known as c.3709T>A), located in coding exon 19 of the BRIP1 gene, results from a T to A substitution at nucleotide position 3709. The serine at codon 1237 is replaced by threonine, an amino acid with similar properties. This amino acid position is conserved. In addition, this alteration is predicted to be tolerated by in silico analysis. Since supporting evidence is limited at this time, the clinical significance of this alteration remains unclear.